The following is an entry in ClinVar:

NM_000051.4(ATM):c.786G>A (p.Leu262=)

Gene: ATM (ATM serine/threonine kinase; plus strand). Cytogenetic location: 11q22.3.
Variant type: single nucleotide variant.
Coding change: c.786G>A on transcript NM_000051.4 (MANE Select); coding-DNA position 786, G replaced by A.
Protein change: p.Leu262=; no amino-acid change (leucine 262 retained).
Molecular consequence: synonymous variant.
Genome position (GRCh38, 1-based): chr11:108,244,911, G>A. VCF-style: chr11-108244911-G-A. GRCh37 (hg19) VCF-style: chr11-108115638-G-A.
Other names: c.786G>A, p.Leu262= (NM_001351834.2).
Identifiers: ClinVar variation 3254022 (VCV003254022.1), dbSNP rs2079765326.

ClinVar aggregate classification (germline): Benign (1 of 4 stars; one submission).

Conditions:
Familial cancer of breast. Also called: BREAST CANCER, FAMILIAL; Hereditary breast cancer; hereditary breast carcinoma. Identifiers: Orphanet 227535, MedGen C0346153, MONDO:0016419, OMIM 114480. Disease mechanism: loss of function.

Submission:

Myriad Genetics, Inc.
Classification: Benign for Familial cancer of breast. Last evaluated: 2024-04-23. Review status: criteria provided, single submitter. Criteria: Myriad Autosomal Dominant, Autosomal Recessive and X-Linked Classification Criteria (2023). Collection method: clinical testing. Allele origin: unknown.
Comment: This variant is considered benign. This variant is a silent/synonymous amino acid change and it is not expected to impact splicing.